The following is an entry in ClinVar:

NM_006736.6(DNAJB2):c.196G>A (p.Asp66Asn)

Gene: DNAJB2 (DnaJ heat shock protein family (Hsp40) member B2; plus strand). Cytogenetic location: 2q35.
Variant type: single nucleotide variant.
Coding change: c.196G>A on transcript NM_006736.6 (MANE Select); coding-DNA position 196, G replaced by A.
Protein change: p.Asp66Asn; replaces aspartic acid 66 with asparagine.
Molecular consequence: missense variant.
Genome position (GRCh38, 1-based): chr2:219,281,738, G>A. VCF-style: chr2-219281738-G-A. GRCh37 (hg19) VCF-style: chr2-220146460-G-A.
Other names: c.196G>A, p.Asp66Asn (NM_001039550.2); short protein forms D66N.
Identifiers: ClinVar variation 578733 (VCV000578733.13), dbSNP rs746079387, ClinGen allele CA2122859.

ClinVar aggregate classification (germline): Uncertain significance. Review status: criteria provided, multiple submitters, no conflicts (2 of 4 stars). 3 submissions from 3 submitters: Uncertain significance (3). Last evaluated 2025-10-21.

Conditions:
Inborn genetic diseases. Identifiers: MedGen C0950123, MeSH D030342.
Neuronopathy, distal hereditary motor, autosomal recessive 5. Also called: NEUROPATHY, DISTAL HEREDITARY MOTOR, AUTOSOMAL RECESSIVE 5; Spinal muscular atrophy, distal, autosomal recessive, 5; Young adult-onset distal hereditary motor neuropathy. Identifiers: Orphanet 314485, Orphanet 443950, MedGen C4749918, MONDO:0013947, OMIM 614881.

Allele frequency attached by ClinVar (database versions not stated): ExAC 0.00002; TOPMed 0.00005; gnomAD 0.00006.
gnomAD v4.1: 52 of 1,613,878 alleles (0.0032%); highest among the groups gnomAD compares: East Asian, 0.0045%; no homozygotes.

Submissions (3):

Labcorp Genetics (formerly Invitae), Labcorp
Classification: Uncertain significance for Neuronopathy, distal hereditary motor, autosomal recessive 5. Last evaluated: 2025-10-21. Review status: criteria provided, single submitter. Criteria: Invitae Variant Classification Sherloc (09022015). Collection method: clinical testing. Allele origin: germline.
Comment: This sequence change replaces aspartic acid, which is acidic and polar, with asparagine, which is neutral and polar, at codon 66 of the DNAJB2 protein (p.Asp66Asn). This variant is present in population databases (rs746079387, gnomAD 0.01%). This variant has not been reported in the literature in individuals affected with DNAJB2-related conditions. ClinVar contains an entry for this variant (Variation ID: 578733). Invitae Evidence Modeling of protein sequence and biophysical properties (such as structural, functional, and spatial information, amino acid conservation, physicochemical variation, residue mobility, and thermodynamic stability) indicates that this missense variant is not expected to disrupt DNAJB2 protein function with a negative predictive value of 80%. In summary, the available evidence is currently insufficient to determine the role of this variant in disease. Therefore, it has been classified as a Variant of Uncertain Significance.

GeneDx
Classification: Uncertain significance. Last evaluated: 2022-04-27. Review status: criteria provided, single submitter. Criteria: GeneDx Variant Classification Process June 2021. Collection method: clinical testing. Allele origin: germline. Affected: yes.
Comment: Not observed at significant frequency in large population cohorts (gnomAD); In silico analysis supports that this missense variant has a deleterious effect on protein structure/function; Has not been previously published as pathogenic or benign to our knowledge

Ambry Genetics
Classification: Uncertain significance for Inborn genetic diseases. Last evaluated: 2019-12-26. Review status: criteria provided, single submitter. Criteria: Ambry Variant Classification Scheme 2023. Collection method: clinical testing. Allele origin: germline.
Comment: The p.D66N variant (also known as c.196G>A), located in coding exon 3 of the DNAJB2 gene, results from a G to A substitution at nucleotide position 196. The aspartic acid at codon 66 is replaced by asparagine, an amino acid with highly similar properties. This amino acid position is highly conserved in available vertebrate species. In addition, the in silico prediction for this alteration is inconclusive. Since supporting evidence is limited at this time, the clinical significance of this alteration remains unclear.